The following is an entry in ClinVar:

NM_001845.6(COL4A1):c.1949C>G (p.Ala650Gly)

Gene: COL4A1 (collagen type IV alpha 1 chain; minus strand). Cytogenetic location: 13q34.
Variant type: single nucleotide variant.
Coding change: c.1949C>G on transcript NM_001845.6 (MANE Select); coding-DNA position 1949, C replaced by G.
Protein change: p.Ala650Gly; replaces alanine 650 with glycine.
Molecular consequence: missense variant.
Genome position (GRCh38, 1-based): chr13:110,183,225, G>C on the plus strand (C>G on the coding strand, the complement: COL4A1 is on the minus strand). VCF-style: chr13-110183225-G-C. GRCh37 (hg19) VCF-style: chr13-110835572-G-C.
Other names: short protein forms A650G.
Identifiers: ClinVar variation 1954699 (VCV001954699.5), dbSNP rs780018659, ClinGen allele CA388722395.

ClinVar aggregate classification (germline): Uncertain significance (1 of 4 stars; one submission).

Submission:

Labcorp Genetics (formerly Invitae), Labcorp
Classification: Uncertain significance. Last evaluated: 2022-01-28. Review status: criteria provided, single submitter. Criteria: Invitae Variant Classification Sherloc (09022015). Collection method: clinical testing. Allele origin: germline.
Comment: In summary, the available evidence is currently insufficient to determine the role of this variant in disease. Therefore, it has been classified as a Variant of Uncertain Significance. Advanced modeling of protein sequence and biophysical properties (such as structural, functional, and spatial information, amino acid conservation, physicochemical variation, residue mobility, and thermodynamic stability) performed at Invitae indicates that this missense variant is not expected to disrupt COL4A1 protein function. This variant has not been reported in the literature in individuals affected with COL4A1-related conditions. This variant is not present in population databases (gnomAD no frequency). This sequence change replaces alanine, which is neutral and non-polar, with glycine, which is neutral and non-polar, at codon 650 of the COL4A1 protein (p.Ala650Gly).